The following is an entry in ClinVar:

ClinVar aggregate classification (germline): Likely benign (1 of 4 stars; one submission).

Allele frequency attached by ClinVar (database versions not stated): gnomAD exomes 0.00001 and 0.00004.

Submission:

GeneDx
Classification: Likely benign. Last evaluated: 2016-01-19. Review status: criteria provided, single submitter. Criteria: GeneDx Variant Classification (06012015). Collection method: clinical testing. Allele origin: germline. Affected: yes.
Comment: This variant is considered likely benign or benign based on one or more of the following criteria: it is a conservative change, it occurs at a poorly conserved position in the protein, it is predicted to be benign by multiple in silico algorithms, and/or has population frequency not consistent with disease.

NM_001165963.4(SCN1A):c.4003-15C>T

Genes: SCN1A (sodium voltage-gated channel alpha subunit 1; minus strand), LOC102724058 (uncharacterized LOC102724058; plus strand). Cytogenetic location: 2q24.3.
Variant type: single nucleotide variant.
Coding change: c.4003-15C>T on transcript NM_001165963.4 (MANE Select); 15 bases into the intron before coding-DNA position 4003, C replaced by T.
Molecular consequence: intron variant.
Genome position (GRCh38, 1-based): chr2:166,002,768, G>A on the plus strand (C>T on the coding strand, the complement: SCN1A is on the minus strand). VCF-style: chr2-166002768-G-A. GRCh37 (hg19) VCF-style: chr2-166859278-G-A.
Other names: c.3970-15C>T (NM_001353949.2, NM_001353950.2, NM_001353951.2 and 2 more transcripts); c.3919-15C>T (NM_001353958.2, NM_001353957.2, NM_001165964.3); c.4003-15C>T (NM_001202435.3, NM_001353948.2); c.3967-15C>T (NM_001353955.2, NM_001353954.2); c.3916-15C>T (NM_001353960.2); c.1561-15C>T (NM_001353961.2).
Identifiers: ClinVar variation 383223 (VCV000383223.1), dbSNP rs1057521559, ClinGen allele CA16603931.